The following is an entry in ClinVar:

ClinVar aggregate classification (germline): Likely pathogenic (1 of 4 stars; one submission).

Conditions:
Combined oxidative phosphorylation deficiency 33 (COXPD33). Identifiers: MedGen C4540209, MONDO:0054677, OMIM 617713.

Submission:

Diagnostics Services (NGS), CSIR - Centre For Cellular And Molecular Biology
Classification: Likely pathogenic for Combined oxidative phosphorylation deficiency 33. Last evaluated: 2026-06-11. Review status: criteria provided, single submitter. Criteria: ACMG Guidelines, 2015. Collection method: clinical testing. Allele origin: germline. Affected: no. Observed: 1 variant allele, 1 heterozygote.

NM_001212.4(C1QBP):c.384-1del

Gene: C1QBP (complement C1q binding protein; minus strand). Cytogenetic location: 17p13.2.
Variant type: Deletion.
Coding change: c.384-1del on transcript NM_001212.4 (MANE Select); the canonical splice acceptor site of the intron before coding-DNA position 384, one base deleted (G; older notation c.384-1delG).
Molecular consequence: splice acceptor variant.
Genome position (GRCh38, 1-based): chr17:5,434,967, C deleted on the plus strand (G on the coding strand, the reverse complement: C1QBP is on the minus strand). VCF-style (leftmost placement, unchanged base first): chr17-5434966-TC-T. GRCh37 (hg19) VCF-style: chr17-5338286-TC-T.
Identifiers: ClinVar variation 4884494 (VCV004884494.1).